The following is an entry in ClinVar:

NM_005236.3(ERCC4):c.2017+1G>A

Gene: ERCC4 (ERCC excision repair 4, endonuclease catalytic subunit; plus strand). Cytogenetic location: 16p13.12.
Variant type: single nucleotide variant.
Coding change: c.2017+1G>A on transcript NM_005236.3 (MANE Select); the canonical splice donor site of the intron after coding-DNA position 2017, G replaced by A.
Molecular consequence: splice donor variant.
Genome position (GRCh38, 1-based): chr16:13,944,836, G>A. VCF-style: chr16-13944836-G-A. GRCh37 (hg19) VCF-style: chr16-14038693-G-A.
Identifiers: ClinVar variation 135534 (VCV000135534.2), dbSNP rs587777943, ClinGen allele CA162991.

ClinVar aggregate classification (germline): Likely pathogenic. Review status: criteria provided, single submitter (1 of 4 stars). 2 submissions from 2 submitters: Likely pathogenic (1). 1 of the submissions does not count toward it. Last evaluated 2024-03-18.

Conditions:
Xeroderma pigmentosum, group F (XPF). Also called: ERCC4-Related Xeroderma Pigmentosum; XERODERMA PIGMENTOSUM, TYPE F; Xeroderma pigmentosum, type 6; XP, GROUP F; XERODERMA PIGMENTOSUM VI; XERODERMA PIGMENTOSUM, COMPLEMENTATION GROUP F. Identifiers: MedGen C0268140, MONDO:0010215, OMIM 278760.
Fanconi anemia complementation group Q. Identifiers: Orphanet 84, MedGen C3808988, MONDO:0014108, OMIM 615272.
XFE progeroid syndrome (XFEPS). Also called: XPF-ERCC1 PROGEROID SYNDROME. Identifiers: MedGen C1970416, MONDO:0012590, OMIM 610965.

Allele frequency attached by ClinVar (database versions not stated): gnomAD exomes 0.00001.
gnomAD v4.1: 10 of 1,592,212 alleles (0.00063%); highest among the groups gnomAD compares: Non-Finnish European, 0.00086%; no homozygotes.

Submissions (2):

Fulgent Genetics
Classification: Likely pathogenic for Xeroderma pigmentosum, group F; XFE progeroid syndrome; Fanconi anemia complementation group Q. Last evaluated: 2024-03-18. Review status: criteria provided, single submitter. Criteria: ACMG Guidelines, 2015. Collection method: clinical testing. Allele origin: germline.

ITMI
No classification provided. Condition: AllHighlyPenetrant. Last evaluated: 2013-09-19. Review status: no classification provided. Collection method: reference population. Allele origin: germline. Not counted in ClinVar's aggregate classification.
Comment: Please see associated publication for description of ethnicities

Literature cited by the submitters: PubMed 24728327 (cited by ITMI).